The following is an entry in ClinVar:

NM_005902.4(SMAD3):c.254A>T (p.His85Leu)

Gene: SMAD3 (SMAD family member 3; plus strand). Cytogenetic location: 15q22.33.
Variant type: single nucleotide variant.
Coding change: c.254A>T on transcript NM_005902.4 (MANE Select); coding-DNA position 254, A replaced by T.
Protein change: p.His85Leu; replaces histidine 85 with leucine.
Molecular consequence: missense variant. On other transcripts: 5 prime UTR variant (3).
Genome position (GRCh38, 1-based): chr15:67,164,942, A>T. VCF-style: chr15-67164942-A-T. GRCh37 (hg19) VCF-style: chr15-67457280-A-T.
Other names: c.-62A>T (NM_001145102.2, NM_001407015.1, NM_001407016.1); c.122A>T, p.His41Leu (NM_001145103.2); c.254A>T, p.His85Leu (NM_001407011.1, NM_001407012.1, NM_001407013.1); c.107A>T, p.His36Leu (NM_001407014.1); short protein forms H36L, H41L, H85L.
Identifiers: ClinVar variation 3704375 (VCV003704375.3).

ClinVar aggregate classification (germline): Uncertain significance. Review status: criteria provided, multiple submitters, no conflicts (2 of 4 stars). 2 submissions from 2 submitters: Uncertain significance (2). Last evaluated 2025-06-07.

Conditions:
Familial thoracic aortic aneurysm and aortic dissection (TAAD). Also called: Thoracic aortic aneurysms and dissections. Identifiers: Orphanet 91387, MedGen C4707243, MONDO:0019625.

Submissions (2):

Women's Health and Genetics/Laboratory Corporation of America, LabCorp
Classification: Uncertain significance. Last evaluated: 2025-06-07. Review status: criteria provided, single submitter. Criteria: LabCorp Variant Classification Summary - May 2015. Collection method: clinical testing. Allele origin: germline.

Labcorp Genetics (formerly Invitae), Labcorp
Classification: Uncertain significance for Familial thoracic aortic aneurysm and aortic dissection. Last evaluated: 2025-04-26. Review status: criteria provided, single submitter. Criteria: Invitae Variant Classification Sherloc (09022015). Collection method: clinical testing. Allele origin: germline.
Comment: This sequence change replaces histidine, which is basic and polar, with leucine, which is neutral and non-polar, at codon 85 of the SMAD3 protein (p.His85Leu). This variant is not present in population databases (gnomAD no frequency). This missense change has been observed in individual(s) with thoracic aortic aneurysm and dissection (internal data). ClinVar contains an entry for this variant (Variation ID: 3704375). Invitae Evidence Modeling of protein sequence and biophysical properties (such as structural, functional, and spatial information, amino acid conservation, physicochemical variation, residue mobility, and thermodynamic stability) indicates that this missense variant is expected to disrupt SMAD3 protein function with a positive predictive value of 80%. This variant disrupts the p.His85 amino acid residue in SMAD3. Other variant(s) that disrupt this residue have been observed in individuals with SMAD3-related conditions (PMID: 36517271), which suggests that this may be a clinically significant amino acid residue. In summary, the available evidence is currently insufficient to determine the role of this variant in disease. Therefore, it has been classified as a Variant of Uncertain Significance.

Literature cited by the submitters: PubMed 36517271 (cited by Labcorp Genetics (formerly Invitae), Labcorp).